The following is an entry in ClinVar:

NM_054027.6(ANKH):c.1338C>T (p.Ile446=)

Genes: ANKH (ANKH inorganic pyrophosphate transport regulator; minus strand), OTULIN (OTU deubiquitinase with linear linkage specificity; plus strand), LOC100130744 (uncharacterized LOC100130744; plus strand). Cytogenetic location: 5p15.2.
Variant type: single nucleotide variant.
Coding change: c.1338C>T on transcript NM_054027.6 (MANE Select); coding-DNA position 1338, C replaced by T.
Protein change: p.Ile446=; no amino-acid change (isoleucine 446 retained).
Molecular consequence: synonymous variant. On other transcripts: non-coding transcript variant (1).
Genome position (GRCh38, 1-based): chr5:14,712,901, G>A on the plus strand (C>T on the coding strand, the complement: ANKH is on the minus strand). VCF-style: chr5-14712901-G-A. GRCh37 (hg19) VCF-style: chr5-14713010-G-A.
Identifiers: ClinVar variation 351499 (VCV000351499.29), dbSNP rs756749018, ClinGen allele CA3208837.
Genomic context (GRCh38, chr5:14,712,901, plus strand): 5'-CCCGGGAGGAGGCTCCCGGCGCGGCTGTCTCACCTGCTTCCGGTAGACATAGCACGCAGC[G>A]ATGGCGACCATGGTGGATTCTCCCACAAAGCCCGCCAGGAGGGAGCCCACGCCCAGGGTC-3'
Protein context (NP_473368.1, residues 436-456): GFVGESTMVA[Ile446=]AACYVYRKQK

ClinVar aggregate classification (germline): Benign/Likely benign. Review status: criteria provided, multiple submitters, no conflicts (2 of 4 stars). 9 submissions from 8 submitters: Benign (4); Likely benign (4). 1 of the submissions does not count toward it. Last evaluated 2026-02-19.

Conditions:
ANKH-related disorder. Also called: ANKH-related condition; ANKH-Related Disorders.
Chondrocalcinosis 2. Also called: Familial calcium pyrophosphate deposition; CALCIUM GOUT; CALCIUM PYROPHOSPHATE ARTHROPATHY. Identifiers: Orphanet 1416, MedGen C0856830, MONDO:0007319, OMIM 118600.
Craniometaphyseal dysplasia, autosomal dominant (CMDD). Identifiers: Orphanet 1522, MedGen C1852502, MONDO:0007397, OMIM 123000.

Allele frequency attached by ClinVar (database versions not stated): gnomAD 0.00009 and 0.00011; TOPMed 0.00009; gnomAD exomes 0.00015; 1000 Genomes Project 30x 0.00016; ExAC 0.00018.
gnomAD v4.1: 200 of 1,612,554 alleles (0.012%); highest among the groups gnomAD compares: South Asian, 0.093%; 2 homozygotes.

Submissions (9):

Women's Health and Genetics/Laboratory Corporation of America, LabCorp
Classification: Likely benign. Last evaluated: 2026-02-19. Review status: criteria provided, single submitter. Criteria: LabCorp Variant Classification Summary - May 2015. Collection method: clinical testing. Allele origin: germline.

Labcorp Genetics (formerly Invitae), Labcorp
Classification: Benign. Last evaluated: 2025-07-28. Review status: criteria provided, single submitter. Criteria: Invitae Variant Classification Sherloc (09022015). Collection method: clinical testing. Allele origin: germline.

CeGaT Center for Human Genetics Tuebingen
Classification: Likely benign. Last evaluated: 2025-01-01. Review status: criteria provided, single submitter. Criteria: CeGaT Center For Human Genetics Tuebingen Variant Classification Criteria Version 2. Collection method: clinical testing. Allele origin: germline. Affected: yes. Observed: 1 variant allele.
Comment: ANKH: BP4, BP7

Genome-Nilou Lab
Classification: Benign for Craniometaphyseal dysplasia, autosomal dominant. Last evaluated: 2021-12-05. Review status: criteria provided, single submitter. Criteria: ACMG Guidelines, 2015. Collection method: clinical testing. Allele origin: germline. Affected: no.

Fulgent Genetics
Classification: Likely benign for Chondrocalcinosis 2; Craniometaphyseal dysplasia, autosomal dominant. Last evaluated: 2021-07-30. Review status: criteria provided, single submitter. Criteria: ACMG Guidelines, 2015. Collection method: clinical testing. Allele origin: unknown.

GeneDx
Classification: Likely benign. Last evaluated: 2019-12-16. Review status: criteria provided, single submitter. Criteria: GeneDx Variant Classification Process June 2021. Collection method: clinical testing. Allele origin: germline. Affected: yes.

Illumina Laboratory Services, Illumina
Classification: Benign for Craniometaphyseal dysplasia, autosomal dominant. Last evaluated: 2018-01-12. Review status: criteria provided, single submitter. Criteria: ICSL Variant Classification Criteria 13 December 2019. Collection method: clinical testing. Allele origin: germline.
Comment: This variant was observed in the ICSL laboratory as part of a predisposition screen in an ostensibly healthy population. It had not been previously curated by ICSL or reported in the Human Gene Mutation Database (HGMD: prior to June 1st, 2018), and was therefore a candidate for classification through an automated scoring system. Utilizing variant allele frequency, disease prevalence and penetrance estimates, and inheritance mode, an automated score was calculated to assess if this variant is too frequent to cause the disease. Based on the score and internal cut-off values, a variant classified as benign is not then subjected to further curation. The score for this variant resulted in a classification of benign for this disease.

Illumina Laboratory Services, Illumina
Classification: Benign for Chondrocalcinosis 2. Last evaluated: 2018-01-12. Review status: criteria provided, single submitter. Criteria: ICSL Variant Classification Criteria 13 December 2019. Collection method: clinical testing. Allele origin: germline.
Comment: the same text as in the submission from Illumina Laboratory Services, Illumina above.

PreventionGenetics, part of Exact Sciences
Classification: Likely benign for ANKH-related condition. Last evaluated: 2019-11-11. Review status: no assertion criteria provided. Collection method: clinical testing. Allele origin: germline. Not counted in ClinVar's aggregate classification.
Comment: This variant is classified as likely benign based on ACMG/AMP sequence variant interpretation guidelines (Richards et al. 2015 PMID: 25741868, with internal and published modifications).